The following is an entry in ClinVar:

NM_005045.4(RELN):c.9248C>G (p.Ala3083Gly)

Genes: SLC26A5-AS1 (SLC26A5 antisense RNA 1; plus strand), RELN (reelin; minus strand). Cytogenetic location: 7q22.1.
Variant type: single nucleotide variant.
Coding change: c.9248C>G on transcript NM_005045.4 (MANE Select); coding-DNA position 9248, C replaced by G.
Protein change: p.Ala3083Gly; replaces alanine 3083 with glycine.
Molecular consequence: missense variant.
Genome position (GRCh38, 1-based): chr7:103,495,844, G>C on the plus strand (C>G on the coding strand, the complement: RELN is on the minus strand). VCF-style: chr7-103495844-G-C. GRCh37 (hg19) VCF-style: chr7-103136291-G-C.
Other names: c.9248C>G, p.Ala3083Gly (NM_173054.3); short protein forms A3083G.
Identifiers: ClinVar variation 1389034 (VCV001389034.6), dbSNP rs1828825003, ClinGen allele CA368749247.
Genomic context (GRCh38, chr7:103,495,844, plus strand): 5'-GTCTTGTCCTTCTTTTTATTTGGCCAATAGAGGTGAAAGGATGGATTGCCACAAAATCCT[G>C]CTGTCCTTACAGCATTAGGGTAAAAACTCCAGTTTTCTTCATGGGAAGTGCCTTCTGTTA-3'
Protein context (NP_005036.2, residues 3073-3093): WSFYPNAVRT[Ala3083Gly]GFCGNPSFHL

ClinVar aggregate classification (germline): Uncertain significance (1 of 4 stars; one submission).

Conditions:
Norman-Roberts syndrome (LIS2). Also called: Lissencephaly 2 (Norman-Roberts type). Identifiers: Orphanet 89844, MedGen C0796089, MONDO:0009760, OMIM 257320.
Familial temporal lobe epilepsy 7. Identifiers: Orphanet 101046, MedGen C4225327, MONDO:0014639, OMIM 616436.

Allele frequency attached by ClinVar (database versions not stated): gnomAD exomes below 0.00001.
gnomAD v4.1: 1 of 1,613,882 alleles (0.000062%); highest among the groups gnomAD compares: Non-Finnish European, 0.000085%; no homozygotes.

Submission:

Labcorp Genetics (formerly Invitae), Labcorp
Classification: Uncertain significance for Familial temporal lobe epilepsy 7; Norman-Roberts syndrome. Last evaluated: 2021-11-02. Review status: criteria provided, single submitter. Criteria: Invitae Variant Classification Sherloc (09022015). Collection method: clinical testing. Allele origin: germline.
Comment: This sequence change replaces alanine, which is neutral and non-polar, with glycine, which is neutral and non-polar, at codon 3083 of the RELN protein (p.Ala3083Gly). This variant is not present in population databases (gnomAD no frequency). This variant has not been reported in the literature in individuals affected with RELN-related conditions. Algorithms developed to predict the effect of missense changes on protein structure and function (SIFT, PolyPhen-2, Align-GVGD) all suggest that this variant is likely to be tolerated. In summary, the available evidence is currently insufficient to determine the role of this variant in disease. Therefore, it has been classified as a Variant of Uncertain Significance.